The following is an entry in ClinVar:

NM_001348768.2(HECW2):c.871C>T (p.Arg291Ter)

Gene: HECW2 (HECT, C2 and WW domain containing E3 ubiquitin protein ligase 2; minus strand). Cytogenetic location: 2q32.3.
Variant type: single nucleotide variant.
Coding change: c.871C>T on transcript NM_001348768.2 (MANE Select); coding-DNA position 871, C replaced by T.
Protein change: p.Arg291Ter; replaces arginine 291 with a stop codon.
Molecular consequence: nonsense. On other transcripts: 5 prime UTR variant (1).
Genome position (GRCh38, 1-based): chr2:196,322,491, G>A on the plus strand (C>T on the coding strand, the complement: HECW2 is on the minus strand). VCF-style: chr2-196322491-G-A. GRCh37 (hg19) VCF-style: chr2-197187215-G-A.
Other names: c.-97C>T (NM_001304840.3); c.871C>T, p.Arg291Ter (NM_020760.4); short protein forms R291*.
Identifiers: ClinVar variation 4876780 (VCV004876780.1), dbSNP rs751694813.

ClinVar aggregate classification (germline): Likely pathogenic (1 of 4 stars; one submission).

Conditions:
Neurodevelopmental disorder with hypotonia, seizures, and absent language (NDHSAL). Identifiers: MedGen C4310643, MONDO:0014995, OMIM 617268.

Submission:

Human Genetics Bochum, Ruhr University Bochum
Classification: Likely pathogenic for Neurodevelopmental disorder with hypotonia, seizures, and absent language. Last evaluated: 2026-06-09. Review status: criteria provided, single submitter. Criteria: ACMG Guidelines, 2015. Collection method: clinical testing. Allele origin: germline. Affected: yes.
Comment: ACMG criteria used to clasify this variant: PVS1, PM2_SUP